The following is an entry in ClinVar:

NM_000330.4(RS1):c.578C>A (p.Pro193His)

Genes: CDKL5 (cyclin dependent kinase like 5; plus strand), RS1 (retinoschisin 1; minus strand). Cytogenetic location: Xp22.13.
Variant type: single nucleotide variant.
Coding change: c.578C>A on transcript NM_000330.4 (MANE Select); coding-DNA position 578, C replaced by A.
Protein change: p.Pro193His; replaces proline 193 with histidine.
Molecular consequence: missense variant. On other transcripts: intron variant (2).
Genome position (GRCh38, 1-based): chrX:18,642,101, G>T on the plus strand (C>A on the coding strand, the complement: RS1 is on the minus strand). VCF-style: chrX-18642101-G-T. GRCh37 (hg19) VCF-style: chrX-18660221-G-T.
Other names: c.2714-3906G>T (NM_003159.3, NM_001037343.2); short protein forms P193H.
Identifiers: ClinVar variation 1697265 (VCV001697265.1), dbSNP rs281865352, ClinGen allele CA412370399.

ClinVar aggregate classification (germline): Likely pathogenic (1 of 4 stars; one submission).

Conditions:
Juvenile retinoschisis (RS1). Also called: X-Linked Juvenile Retinoschisis; X-linked retinoschisis. Identifiers: Orphanet 792, MedGen C3714753, MONDO:0010725, OMIM 312700.

Submission:

Sydney Genome Diagnostics, Children's Hospital Westmead
Classification: Likely pathogenic for Juvenile retinoschisis. Last evaluated: 2022-03-08. Review status: criteria provided, single submitter. Criteria: ACMG Guidelines, 2015. Collection method: clinical testing. Allele origin: germline.
Comment: The variant has not been reported in any population databases (i.e. gnomAD v2.1.1, ESP or dbSNP). To our knowledge, this variant has not been previously reported in the literature or any disease specific databases. However different missense changes affecting the same amino acid residue, p.Pro193Leu and p.Pro193Ser, have been reported as pathogenic/likely pathogenic in ClinVar ([gene]). In silico analysis of pathogenicity (through Alamut Visual v2.13) using PolyPhen2, SIFT and MutationTaster all suggest that this variant is likely to be pathogenic. This variant is considered to be likely pathogenic according to the ACMG guidelines (evidence used: PM1, PM2, PM5, PP4_Moderate).